The following is an entry in ClinVar:

NM_001754.5(RUNX1):c.508+2T>A

Genes: RUNX1 (RUNX family transcription factor 1; minus strand), RUNX1-AS1 (RUNX1 antisense RNA 1; plus strand). Cytogenetic location: 21q22.12.
Variant type: single nucleotide variant.
Coding change: c.508+2T>A on transcript NM_001754.5 (MANE Select); the canonical splice donor site of the intron after coding-DNA position 508, T replaced by A.
Molecular consequence: splice donor variant.
Genome position (GRCh38, 1-based): chr21:34,880,555, A>T on the plus strand (T>A on the coding strand, the complement: RUNX1 is on the minus strand). VCF-style: chr21-34880555-A-T. GRCh37 (hg19) VCF-style: chr21-36252852-A-T.
Other names: c.427+2T>A (NM_001001890.3, NM_001122607.2).
Identifiers: ClinVar variation 4158175 (VCV004158175.1).

ClinVar aggregate classification (germline): Likely pathogenic (1 of 4 stars; one submission).

Conditions:
Inborn genetic diseases. Identifiers: MedGen C0950123, MeSH D030342.

Submission:

Ambry Genetics
Classification: Likely pathogenic for Inborn genetic diseases. Last evaluated: 2025-06-26. Review status: criteria provided, single submitter. Criteria: Ambry Variant Classification Scheme 2023. Collection method: clinical testing. Allele origin: germline.
Comment: The c.508+2T>A intronic variant results from a T to A substitution two nucleotides after coding exon 4 in the RUNX1 gene. This variant is considered to be rare based on population cohorts in the Genome Aggregation Database (gnomAD). This nucleotide position is highly conserved in available vertebrate species. In silico splice site analysis predicts that this alteration will weaken the native splice donor site and may result in the creation or strengthening of a novel splice donor site. Alterations that disrupt the canonical splice site are expected to cause aberrant splicing, resulting in an abnormal protein or a transcript that is subject to nonsense-mediated mRNA decay. As such, this alteration is classified as likely pathogenic.